The following is an entry in ClinVar:

ClinVar aggregate classification (germline): Uncertain significance. Review status: criteria provided, multiple submitters, no conflicts (2 of 4 stars). 2 submissions from 2 submitters: Uncertain significance (2). Last evaluated 2024-09-08.

Conditions:
Hereditary cancer-predisposing syndrome. Also called: Tumor predisposition; Hereditary neoplastic syndrome; Neoplastic Syndromes, Hereditary; Hereditary Cancer Syndrome. Identifiers: Orphanet 140162, MedGen C0027672, MeSH D009386, MONDO:0015356.
Familial adenomatous polyposis 1 (FAP1). Also called: FAMILIAL ADENOMATOUS POLYPOSIS 1, ATTENUATED; POLYPOSIS, ADENOMATOUS INTESTINAL. Identifiers: MedGen C2713442, MONDO:0021056, OMIM 175100. Disease mechanism: loss of function.

Submissions (2):

Ambry Genetics
Classification: Uncertain significance for Hereditary cancer-predisposing syndrome. Last evaluated: 2024-09-08. Review status: criteria provided, single submitter. Criteria: Ambry Variant Classification Scheme 2023. Collection method: clinical testing. Allele origin: germline.
Comment: The p.F2021L variant (also known as c.6063C>A), located in coding exon 15 of the APC gene, results from a C to A substitution at nucleotide position 6063. The phenylalanine at codon 2021 is replaced by leucine, an amino acid with highly similar properties. This amino acid position is conserved. In addition, in silico predictors for this gene do not accurately predict pathogenicity. Based on the available evidence, the clinical significance of this variant remains unclear.

Labcorp Genetics (formerly Invitae), Labcorp
Classification: Uncertain significance for Familial adenomatous polyposis 1. Last evaluated: 2019-12-04. Review status: criteria provided, single submitter. Criteria: Invitae Variant Classification Sherloc (09022015). Collection method: clinical testing. Allele origin: germline.
Comment: This variant is not present in population databases (ExAC no frequency). This sequence change replaces phenylalanine with leucine at codon 2021 of the APC protein (p.Phe2021Leu). The phenylalanine residue is highly conserved and there is a small physicochemical difference between phenylalanine and leucine. This variant has not been reported in the literature in individuals with APC-related conditions. Algorithms developed to predict the effect of missense changes on protein structure and function are either unavailable or do not agree on the potential impact of this missense change (SIFT: "Tolerated"; PolyPhen-2: "Probably Damaging"; Align-GVGD: "Class C0"). In summary, the available evidence is currently insufficient to determine the role of this variant in disease. Therefore, it has been classified as a Variant of Uncertain Significance.

NM_000038.6(APC):c.6063C>A (p.Phe2021Leu)

Gene: APC (APC regulator of Wnt signaling pathway; plus strand). Cytogenetic location: 5q22.2.
Variant type: single nucleotide variant.
Coding change: c.6063C>A on transcript NM_000038.6 (MANE Select); coding-DNA position 6063, C replaced by A.
Protein change: p.Phe2021Leu; replaces phenylalanine 2021 with leucine.
Molecular consequence: missense variant.
Genome position (GRCh38, 1-based): chr5:112,841,657, C>A. VCF-style: chr5-112841657-C-A. GRCh37 (hg19) VCF-style: chr5-112177354-C-A.
Other names: c.6063C>A, p.Phe2021Leu (NM_001127510.3, NM_001354895.2); c.6009C>A, p.Phe2003Leu (NM_001127511.3); c.6117C>A, p.Phe2039Leu (NM_001354896.2); c.6093C>A, p.Phe2031Leu (NM_001354897.2); c.5988C>A, p.Phe1996Leu (NM_001354898.2); c.5979C>A, p.Phe1993Leu (NM_001354899.2); c.5940C>A, p.Phe1980Leu (NM_001354900.2); c.5886C>A, p.Phe1962Leu (NM_001354901.2); and 5 more; short protein forms F1895L, F1980L, F1738L, F1861L, F1930L, F1962L, F2021L, F2031L.
Identifiers: ClinVar variation 856525 (VCV000856525.12), dbSNP rs786203342, ClinGen allele CA16034600.